The following is an entry in ClinVar:

NM_002691.4(POLD1):c.1861C>T (p.Leu621Phe)

Gene: POLD1 (DNA polymerase delta 1, catalytic subunit; plus strand). Cytogenetic location: 19q13.33.
Variant type: single nucleotide variant.
Coding change: c.1861C>T on transcript NM_002691.4 (MANE Select); coding-DNA position 1861, C replaced by T.
Protein change: p.Leu621Phe; replaces leucine 621 with phenylalanine.
Molecular consequence: missense variant. On other transcripts: non-coding transcript variant (1).
Genome position (GRCh38, 1-based): chr19:50,408,870, C>T. VCF-style: chr19-50408870-C-T. GRCh37 (hg19) VCF-style: chr19-50912127-C-T.
Other names: c.1861C>T, p.Leu621Phe (NM_001256849.1); c.1939C>T, p.Leu647Phe (NM_001308632.1); short protein forms L647F, L621F.
Identifiers: ClinVar variation 2891464 (VCV002891464.3), dbSNP rs1471881768, ClinGen allele CA406982113.

ClinVar aggregate classification (germline): Uncertain significance (1 of 4 stars; one submission).

Conditions:
POLD1-related polyposis and colorectal cancer syndrome (CRCS10). Also called: Colorectal cancer 10; COLORECTAL CANCER, SUSCEPTIBILITY TO, ON CHROMOSOME 19q; Colorectal cancer, susceptibility to, 10. Identifiers: Orphanet 220460, MedGen C2675481, MONDO:0012953, OMIM 612591.

Allele frequency attached by ClinVar (database versions not stated): gnomAD exomes below 0.00001.
gnomAD v4.1: 1 of 1,613,630 alleles (0.000062%); highest among the groups gnomAD compares: Non-Finnish European, 0.000085%; no homozygotes.

Submission:

Labcorp Genetics (formerly Invitae), Labcorp
Classification: Uncertain significance for POLD1-related polyposis and colorectal cancer syndrome. Last evaluated: 2024-10-01. Review status: criteria provided, single submitter. Criteria: Invitae Variant Classification Sherloc (09022015). Collection method: clinical testing. Allele origin: germline.
Comment: This sequence change replaces leucine, which is neutral and non-polar, with phenylalanine, which is neutral and non-polar, at codon 621 of the POLD1 protein (p.Leu621Phe). This variant is not present in population databases (gnomAD no frequency). This variant has not been reported in the literature in individuals affected with POLD1-related conditions. Invitae Evidence Modeling of protein sequence and biophysical properties (such as structural, functional, and spatial information, amino acid conservation, physicochemical variation, residue mobility, and thermodynamic stability) indicates that this missense variant is not expected to disrupt POLD1 protein function with a negative predictive value of 80%. In summary, the available evidence is currently insufficient to determine the role of this variant in disease. Therefore, it has been classified as a Variant of Uncertain Significance.